The following is an entry in ClinVar:

NM_182916.3(TRNT1):c.608+1G>T

Gene: TRNT1 (tRNA nucleotidyl transferase 1; plus strand). Cytogenetic location: 3p26.2.
Variant type: single nucleotide variant.
Coding change: c.608+1G>T on transcript NM_182916.3 (MANE Select); the canonical splice donor site of the intron after coding-DNA position 608, G replaced by T.
Molecular consequence: splice donor variant.
Genome position (GRCh38, 1-based): chr3:3,144,711, G>T. VCF-style: chr3-3144711-G-T. GRCh37 (hg19) VCF-style: chr3-3186395-G-T.
Other names: c.608+1G>T (NM_001367321.1, NM_001367323.1, NM_001367322.1 and 1 more transcripts).
Identifiers: ClinVar variation 858224 (VCV000858224.7), dbSNP rs529290186, ClinGen allele CA2228721.

ClinVar aggregate classification (germline): Pathogenic (1 of 4 stars; one submission).

Conditions:
Congenital sideroblastic anemia-B-cell immunodeficiency-periodic fever-developmental delay syndrome. Also called: Sideroblastic anemia with B-cell immunodeficiency, periodic fevers, and developmental delay. Identifiers: Orphanet 369861, MedGen C4015172, MONDO:0014487, OMIM 616084.

Allele frequency attached by ClinVar (database versions not stated): TOPMed 0.00003; gnomAD 0.00005; gnomAD exomes 0.00009 and 0.00010; ExAC 0.00012.
gnomAD v4.1: 146 of 1,524,980 alleles (0.0096%); highest among the groups gnomAD compares: Non-Finnish European, 0.012%; no homozygotes.

Submission:

Labcorp Genetics (formerly Invitae), Labcorp
Classification: Pathogenic for Congenital sideroblastic anemia-B-cell immunodeficiency-periodic fever-developmental delay syndrome. Last evaluated: 2025-12-29. Review status: criteria provided, single submitter. Criteria: Invitae Variant Classification Sherloc (09022015). Collection method: clinical testing. Allele origin: germline.
Comment: This sequence change affects a donor splice site in intron 5 of the TRNT1 gene. RNA analysis indicates that disruption of this splice site induces altered splicing and may result in an absent or altered protein product. This variant is present in population databases (rs529290186, gnomAD 0.02%). Disruption of this splice site has been observed in individual(s) with TRNT1-related congenital sideroblastic anemia (PMID: 25193871, 29055896). It has also been observed to segregate with disease in related individuals. ClinVar contains an entry for this variant (Variation ID: 858224). Studies have shown that disruption of this splice site results in skipping of exons 5 and 6, and produces a non-functional protein and/or introduces a premature termination codon (PMID: 25193871). For these reasons, this variant has been classified as Pathogenic.

Literature cited by the submitters: PubMed 25193871; PubMed 29055896.